The following is an entry in ClinVar:

NM_000038.6(APC):c.2925A>T (p.Lys975Asn)

Gene: APC (APC regulator of Wnt signaling pathway; plus strand). Cytogenetic location: 5q22.2.
Variant type: single nucleotide variant.
Coding change: c.2925A>T on transcript NM_000038.6 (MANE Select); coding-DNA position 2925, A replaced by T.
Protein change: p.Lys975Asn; replaces lysine 975 with asparagine.
Molecular consequence: missense variant.
Genome position (GRCh38, 1-based): chr5:112,838,519, A>T. VCF-style: chr5-112838519-A-T. GRCh37 (hg19) VCF-style: chr5-112174216-A-T.
Other names: c.2925A>T, p.Lys975Asn (NM_001127510.3, NM_001354895.2); c.2871A>T, p.Lys957Asn (NM_001127511.3); c.2979A>T, p.Lys993Asn (NM_001354896.2); c.2955A>T, p.Lys985Asn (NM_001354897.2); c.2850A>T, p.Lys950Asn (NM_001354898.2); c.2841A>T, p.Lys947Asn (NM_001354899.2); c.2802A>T, p.Lys934Asn (NM_001354900.2); c.2748A>T, p.Lys916Asn (NM_001354901.2); and 5 more; short protein forms K692N, K884N, K975N, K916N, K985N, K849N, K947N, K957N.
Identifiers: ClinVar variation 651579 (VCV000651579.11), dbSNP rs1580628898, ClinGen allele CA16027722.

ClinVar aggregate classification (germline): Uncertain significance. Review status: criteria provided, multiple submitters, no conflicts (2 of 4 stars). 2 submissions from 2 submitters: Uncertain significance (2). Last evaluated 2024-07-09.

Conditions:
Hereditary cancer-predisposing syndrome. Also called: Neoplastic Syndromes, Hereditary; Tumor predisposition; Hereditary Cancer Syndrome; Hereditary neoplastic syndrome. Identifiers: Orphanet 140162, MedGen C0027672, MeSH D009386, MONDO:0015356.
Familial adenomatous polyposis 1 (FAP1). Also called: POLYPOSIS, ADENOMATOUS INTESTINAL; FAMILIAL ADENOMATOUS POLYPOSIS 1, ATTENUATED. Identifiers: MedGen C2713442, MONDO:0021056, OMIM 175100. Disease mechanism: loss of function.

Allele frequency attached by ClinVar (database versions not stated): gnomAD exomes below 0.00001.
gnomAD v4.1: 1 of 1,614,228 alleles (0.000062%); highest among the groups gnomAD compares: Non-Finnish European, 0.000085%; no homozygotes.

Submissions (2):

Ambry Genetics
Classification: Uncertain significance for Hereditary cancer-predisposing syndrome. Last evaluated: 2024-07-09. Review status: criteria provided, single submitter. Criteria: Ambry Variant Classification Scheme 2023. Collection method: clinical testing. Allele origin: germline.
Comment: The p.K975N variant (also known as c.2925A>T), located in coding exon 15 of the APC gene, results from an A to T substitution at nucleotide position 2925. The lysine at codon 975 is replaced by asparagine, an amino acid with similar properties. This amino acid position is conserved. In addition, in silico predictors for this gene do not accurately predict pathogenicity. Based on the available evidence, the clinical significance of this variant remains unclear.

Labcorp Genetics (formerly Invitae), Labcorp
Classification: Uncertain significance for Familial adenomatous polyposis 1. Last evaluated: 2018-10-10. Review status: criteria provided, single submitter. Criteria: Invitae Variant Classification Sherloc (09022015). Collection method: clinical testing. Allele origin: germline.
Comment: This sequence change replaces lysine with asparagine at codon 975 of the APC protein (p.Lys975Asn). The lysine residue is highly conserved and there is a moderate physicochemical difference between lysine and asparagine. In summary, the available evidence is currently insufficient to determine the role of this variant in disease. Therefore, it has been classified as a Variant of Uncertain Significance. Algorithms developed to predict the effect of missense changes on protein structure and function are either unavailable or do not agree on the potential impact of this missense change (SIFT: "Deleterious"; PolyPhen-2: "Benign"; Align-GVGD: "Class C0"). This variant has not been reported in the literature in individuals with APC-related disease. This variant is not present in population databases (ExAC no frequency).